The following is an entry in ClinVar:

ClinVar aggregate classification (germline): Uncertain significance (1 of 4 stars; one submission).

Submission:

Labcorp Genetics (formerly Invitae), Labcorp
Classification: Uncertain significance. Last evaluated: 2022-11-01. Review status: criteria provided, single submitter. Criteria: Invitae Variant Classification Sherloc (09022015). Collection method: clinical testing. Allele origin: germline.
Comment: In summary, the available evidence is currently insufficient to determine the role of this variant in disease. Therefore, it has been classified as a Variant of Uncertain Significance. Experimental studies and prediction algorithms are not available or were not evaluated, and the functional significance of this variant is currently unknown. This variant has not been reported in the literature in individuals affected with ISCA2-related conditions. This variant is a gross deletion of the genomic region encompassing exon(s) 4 of the ISCA2 gene, which includes the termination codon. This deletion extends beyond the assayed region for this gene and therefore may encompass additional genes. While this deletion is not anticipated to lead to nonsense mediated decay, it is expected to alter mRNA translation or result in a truncated protein product.

NC_000014.8:g.(?_74961509)_(74961703_?)del

Gene: ISCA2 (iron-sulfur cluster assembly 2; plus strand). Cytogenetic location: 14q24.3.
Variant type: Deletion.
Identifiers: ClinVar variation 2427624 (VCV002427624.4).